The following is an entry in ClinVar:

ClinVar aggregate classification (germline): Benign/Likely benign. Review status: criteria provided, multiple submitters, no conflicts (2 of 4 stars). 3 submissions from 3 submitters: Benign (1); Likely benign (1). 1 of the submissions does not count toward it. Last evaluated 2025-09-30.

Conditions:
SPTA1-related disorder. Also called: SPTA1-related condition; SPTA1-related disorders.

Allele frequency attached by ClinVar (database versions not stated): 1000 Genomes Project 30x 0.00016; 1000 Genomes Project 0.00020; gnomAD 0.00006.

Submissions (3):

Labcorp Genetics (formerly Invitae), Labcorp
Classification: Likely benign. Last evaluated: 2025-09-30. Review status: criteria provided, single submitter. Criteria: Invitae Variant Classification Sherloc (09022015). Collection method: clinical testing. Allele origin: germline.

ARUP Laboratories, Molecular Genetics and Genomics, ARUP Laboratories
Classification: Benign. Last evaluated: 2025-05-02. Review status: criteria provided, single submitter. Criteria: ARUP Molecular Germline Variant Investigation Process 2024. Collection method: clinical testing. Allele origin: germline.

PreventionGenetics, part of Exact Sciences
Classification: Likely benign for SPTA1-related condition. Last evaluated: 2023-03-22. Review status: no assertion criteria provided. Collection method: clinical testing. Allele origin: germline. Not counted in ClinVar's aggregate classification.
Comment: This variant is classified as likely benign based on ACMG/AMP sequence variant interpretation guidelines (Richards et al. 2015 PMID: 25741868, with internal and published modifications).

NM_003126.4(SPTA1):c.5310+8T>A

Gene: SPTA1 (spectrin alpha, erythrocytic 1; minus strand). Cytogenetic location: 1q23.1.
Variant type: single nucleotide variant.
Coding change: c.5310+8T>A on transcript NM_003126.4 (MANE Select); 8 bases into the intron after coding-DNA position 5310, T replaced by A.
Molecular consequence: intron variant.
Genome position (GRCh38, 1-based): chr1:158,636,633, A>T on the plus strand (T>A on the coding strand, the complement: SPTA1 is on the minus strand). VCF-style: chr1-158636633-A-T. GRCh37 (hg19) VCF-style: chr1-158606423-A-T.
Identifiers: ClinVar variation 3036474 (VCV003036474.5), dbSNP rs187225341, ClinGen allele CA1182355.